The following is an entry in ClinVar:

ClinVar aggregate classification (germline): Uncertain significance. Review status: criteria provided, single submitter (1 of 4 stars). 2 submissions from 1 submitter: Uncertain significance (2). Last evaluated 2021-11-02.

Conditions:
Ehlers-Danlos syndrome, classic type (cEDS). Identifiers: Orphanet 287, MedGen C4225429, MONDO:0007522.
Ehlers-Danlos syndrome, classic type, 1 (EDSCL1). Also called: Ehlers-Danlos Syndrome, Classic Type, COL5A1-Related; EDS I; Ehlers-Danlos syndrome, type 1; EHLERS-DANLOS SYNDROME, GRAVIS TYPE; EHLERS-DANLOS SYNDROME, SEVERE CLASSIC TYPE. Identifiers: MedGen C0268335, MONDO:0019567, OMIM 130000.

Submissions (2):

Labcorp Genetics (formerly Invitae), Labcorp
Classification: Uncertain significance for Ehlers-Danlos syndrome, classic type, 1. Last evaluated: 2021-11-02. Review status: criteria provided, single submitter. Criteria: Invitae Variant Classification Sherloc (09022015). Collection method: clinical testing. Allele origin: germline.
Comment: This variant is a gross deletion of the genomic region encompassing exon(s) 5-6 of the COL5A1 gene. This variant would be expected to be in-frame, preserving the integrity of the reading frame. This variant has not been reported in the literature in individuals affected with COL5A1-related conditions. Experimental studies and prediction algorithms are not available or were not evaluated, and the functional significance of this variant is currently unknown. In summary, the available evidence is currently insufficient to determine the role of this variant in disease. Therefore, it has been classified as a Variant of Uncertain Significance.

Labcorp Genetics (formerly Invitae), Labcorp
Classification: Uncertain significance for Ehlers-Danlos syndrome, classic type. Last evaluated: 2018-02-18. Review status: criteria provided, single submitter. Criteria: Invitae Variant Classification Sherloc (09022015). Collection method: clinical testing. Allele origin: germline.
Comment: This variant is an in-frame deletion of the genomic region encompassing exons 5 to 6 of the COL5A1 gene. It preserves the integrity of the reading frame. This variant has not been reported in the literature in individuals with COL5A1-related disease. Experimental studies and prediction algorithms are not available for this variant, and the functional significance of the deleted amino acids is currently unknown. In summary, the available evidence is currently insufficient to determine the role of this variant in disease. Therefore, it has been classified as a Variant of Uncertain Significance.

NC_000009.12:g.(?_134727246)_(134728827_?)del

Gene: COL5A1 (collagen type V alpha 1 chain; plus strand). Cytogenetic location: 9q34.3.
Variant type: Deletion.
Identifiers: ClinVar variation 529309 (VCV000529309.7).